The following is an entry in ClinVar:

NM_000548.5(TSC2):c.1168A>T (p.Thr390Ser)

Gene: TSC2 (TSC complex subunit 2; plus strand). Cytogenetic location: 16p13.3.
Variant type: single nucleotide variant.
Coding change: c.1168A>T on transcript NM_000548.5 (MANE Select); coding-DNA position 1168, A replaced by T.
Protein change: p.Thr390Ser; replaces threonine 390 with serine.
Molecular consequence: missense variant.
Genome position (GRCh38, 1-based): chr16:2,061,919, A>T. VCF-style: chr16-2061919-A-T. GRCh37 (hg19) VCF-style: chr16-2111920-A-T.
Other names: c.1168A>T, p.Thr390Ser (NM_001077183.3, NM_001114382.3, NM_001363528.2 and 3 more transcripts); c.1057A>T, p.Thr353Ser (NM_001318827.2); c.1021A>T, p.Thr341Ser (NM_001318829.2); c.568A>T, p.Thr190Ser (NM_001318831.2); c.1201A>T, p.Thr401Ser (NM_001318832.2); short protein forms T353S, T190S, T390S, T341S, T401S.
Identifiers: ClinVar variation 943012 (VCV000943012.11), dbSNP rs2086688013, ClinGen allele CA394320291.

ClinVar aggregate classification (germline): Conflicting classifications of pathogenicity. Review status: criteria provided, conflicting classifications (1 of 4 stars). 2 submissions from 2 submitters: Uncertain significance (1); Benign (1). Last evaluated 2025-07-28.

Conditions:
Tuberous sclerosis 2 (TSC2). Identifiers: Orphanet 805, MedGen C1860707, MONDO:0013199, OMIM 613254.
Hereditary cancer-predisposing syndrome. Also called: Neoplastic Syndromes, Hereditary; Hereditary neoplastic syndrome; Hereditary Cancer Syndrome; Tumor predisposition. Identifiers: Orphanet 140162, MedGen C0027672, MeSH D009386, MONDO:0015356.

Allele frequency attached by ClinVar (database versions not stated): gnomAD exomes below 0.00001; TOPMed below 0.00001; gnomAD 0.00001.

Submissions (2):

Labcorp Genetics (formerly Invitae), Labcorp
Classification: Benign for Tuberous sclerosis 2. Last evaluated: 2025-07-28. Review status: criteria provided, single submitter. Criteria: Invitae Variant Classification Sherloc (09022015). Collection method: clinical testing. Allele origin: germline.

Ambry Genetics
Classification: Uncertain significance for Hereditary cancer-predisposing syndrome. Last evaluated: 2025-06-19. Review status: criteria provided, single submitter. Criteria: Ambry Variant Classification Scheme 2023. Collection method: clinical testing. Allele origin: germline.
Comment: The p.T390S variant (also known as c.1168A>T), located in coding exon 11 of the TSC2 gene, results from an A to T substitution at nucleotide position 1168. The threonine at codon 390 is replaced by serine, an amino acid with similar properties. This amino acid position is highly conserved in available vertebrate species. In addition, the in silico prediction for this alteration is inconclusive. Since supporting evidence is limited at this time, the clinical significance of this alteration remains unclear.